The following is an entry in ClinVar:

ClinVar aggregate classification (germline): Uncertain significance (1 of 4 stars; one submission).

Conditions:
Hereditary cancer-predisposing syndrome. Also called: Neoplastic Syndromes, Hereditary; Tumor predisposition; Hereditary neoplastic syndrome; Hereditary Cancer Syndrome. Identifiers: Orphanet 140162, MedGen C0027672, MeSH D009386, MONDO:0015356.

Submission:

Ambry Genetics
Classification: Uncertain significance for Hereditary cancer-predisposing syndrome. Last evaluated: 2024-06-08. Review status: criteria provided, single submitter. Criteria: Ambry Variant Classification Scheme 2023. Collection method: clinical testing. Allele origin: germline.
Comment: The p.T939P variant (also known as c.2815A>C), located in coding exon 17 of the ATM gene, results from an A to C substitution at nucleotide position 2815. The threonine at codon 939 is replaced by proline, an amino acid with highly similar properties. This amino acid position is conserved. In addition, this alteration is predicted to be tolerated by in silico analysis. Based on the available evidence, the clinical significance of this variant remains unclear.

NM_000051.4(ATM):c.2815A>C (p.Thr939Pro)

Gene: ATM (ATM serine/threonine kinase; plus strand). Cytogenetic location: 11q22.3.
Variant type: single nucleotide variant.
Coding change: c.2815A>C on transcript NM_000051.4 (MANE Select); coding-DNA position 2815, A replaced by C.
Protein change: p.Thr939Pro; replaces threonine 939 with proline.
Molecular consequence: missense variant.
Genome position (GRCh38, 1-based): chr11:108,268,586, A>C. VCF-style: chr11-108268586-A-C. GRCh37 (hg19) VCF-style: chr11-108139313-A-C.
Other names: c.2815A>C, p.Thr939Pro (NM_001351834.2); short protein forms T939P.
Identifiers: ClinVar variation 3326660 (VCV003326660.1).